The following is an entry in ClinVar:

NM_145868.2(ANXA11):c.1469C>A (p.Ser490Ter)

Gene: ANXA11 (annexin A11; minus strand). Cytogenetic location: 10q22.3.
Variant type: single nucleotide variant.
Coding change: c.1469C>A on transcript NM_145868.2 (MANE Select); coding-DNA position 1469, C replaced by A.
Protein change: p.Ser490Ter; replaces serine 490 with a stop codon.
Molecular consequence: nonsense.
Genome position (GRCh38, 1-based): chr10:80,155,902, G>T on the plus strand (C>A on the coding strand, the complement: ANXA11 is on the minus strand). VCF-style: chr10-80155902-G-T. GRCh37 (hg19) VCF-style: chr10-81915658-G-T.
Other names: c.1469C>A, p.Ser490Ter (NM_001157.3, NM_001278407.2, NM_001278408.2 and 1 more transcripts); c.1370C>A, p.Ser457Ter (NM_001278409.2); short protein forms S457*, S490*.
Identifiers: ClinVar variation 2504950 (VCV002504950.2), dbSNP rs1589410508, ClinGen allele CA377363391.

ClinVar aggregate classification (germline): Uncertain significance (1 of 4 stars; one submission).

Submission:

GeneDx
Classification: Uncertain significance. Last evaluated: 2026-02-04. Review status: criteria provided, single submitter. Criteria: GeneDx Variant Classification Process June 2021. Collection method: clinical testing. Allele origin: germline.
Comment: Not observed at significant frequency in large population cohorts (gnomAD); Has not been previously published as pathogenic or benign to our knowledge; Nonsense variant predicted to result in protein truncation as the last 16 amino acid(s) are lost with an unclear effect on protein function